The following is an entry in ClinVar:

ClinVar aggregate classification (germline): Uncertain significance (1 of 4 stars; one submission).

Conditions:
Hereditary breast ovarian cancer syndrome. Also called: BRCA1- and BRCA2-Associated Hereditary Breast and Ovarian Cancer; Breast and ovarian cancer; Hereditary breast and/or ovarian cancer syndrome; Hereditary breast and ovarian cancer; Hereditary breast and ovarian cancer syndrome (HBOC); Hereditary breast and ovarian cancer syndrome. Identifiers: Orphanet 145, MedGen C0677776, MeSH D061325, MONDO:0003582. Disease mechanism: loss of function.

Submission:

Labcorp Genetics (formerly Invitae), Labcorp
Classification: Uncertain significance for Hereditary breast ovarian cancer syndrome. Last evaluated: 2023-07-19. Review status: criteria provided, single submitter. Criteria: Invitae Variant Classification Sherloc (09022015). Collection method: clinical testing. Allele origin: germline.
Comment: This variant, c.8099_8113del, results in the deletion of 5 amino acid(s) of the BRCA2 protein (p.Ile2700_Ser2704del), but otherwise preserves the integrity of the reading frame. This variant is not present in population databases (gnomAD no frequency). This variant has not been reported in the literature in individuals affected with BRCA2-related conditions. Experimental studies and prediction algorithms are not available or were not evaluated, and the functional significance of this variant is currently unknown. In summary, the available evidence is currently insufficient to determine the role of this variant in disease. Therefore, it has been classified as a Variant of Uncertain Significance.

NM_000059.4(BRCA2):c.8099_8113del (p.Ile2700_Ser2704del)

Gene: BRCA2 (BRCA2 DNA repair associated; plus strand). Cytogenetic location: 13q13.1.
Variant type: Deletion.
Coding change: c.8099_8113del on transcript NM_000059.4 (MANE Select); coding-DNA positions 8099 to 8113, 15 bases deleted (TATCTGAAACTTCTA).
Protein change: p.Ile2700_Ser2704del.
Molecular consequence: inframe deletion. On other transcripts: non-coding transcript variant (1).
Genome position (GRCh38, 1-based): chr13:32,363,301-32,363,315, TATCTGAAACTTCTA deleted; deleting any 15 consecutive bases within chr13:32,363,299-32,363,315 gives the same sequence; the c. name uses the placement nearest the transcript's 3' end. VCF-style (leftmost placement, unchanged base first): chr13-32363298-ATATATCTGAAACTTC-A. GRCh37 (hg19) VCF-style: chr13-32937435-ATATATCTGAAACTTC-A.
Other names: c.8003_8017del, p.Ile2668_Ser2672del (NM_001406719.1); c.8099_8113del, p.Ile2700_Ser2704del (NM_001406720.1); c.3167_3181del, p.Ile1056_Ser1060del (NM_001406721.1); c.1682_1696del, p.Ile561_Ser565del (NM_001406722.1).
Identifiers: ClinVar variation 2745100 (VCV002745100.3), dbSNP rs2548546403, ClinGen allele CA2697551769.
Genomic context (GRCh38, chr13:32,363,298, plus strand): 5'-ATGACACAGCTGCAAAAACACTTGTTCTCTGTGTTTCTGACATAATTTCATTGAGCGCAA[ATATATCTGAAACTTC>A]TAGCAATAAAACTAGTAGTGCAGATACCCAAAAAGTGGCCATTATTGAACTTACAGATGG-3'